The following is an entry in ClinVar:

NM_001278182.2(EOMES):c.99T>A (p.Ala33=)

Gene: EOMES (eomesodermin; minus strand). Cytogenetic location: 3p24.1.
Variant type: single nucleotide variant.
Coding change: c.99T>A on transcript NM_001278182.2 (MANE Select); coding-DNA position 99, T replaced by A.
Protein change: p.Ala33=; no amino-acid change (alanine 33 retained).
Molecular consequence: synonymous variant. On other transcripts: intron variant (1).
Genome position (GRCh38, 1-based): chr3:27,722,196, A>T on the plus strand (T>A on the coding strand, the complement: EOMES is on the minus strand). VCF-style: chr3-27722196-A-T. GRCh37 (hg19) VCF-style: chr3-27763687-A-T.
Other names: c.99T>A, p.Ala33= (NM_005442.4); c.-5+234T>A (NM_001278183.2).
Identifiers: ClinVar variation 3048191 (VCV003048191.2), dbSNP rs539715811, ClinGen allele CA2292807.
Genomic context (GRCh38, chr3:27,722,196, plus strand): 5'-CTTGGACGCTTTGTCTAAGTCCAACTTCTGAGGAGAGGGGGCCGCGCTGGGGAGGTGGCC[A>T]GCGCTCCCGCCGCTGCCGCCTCGCGCACTCTCCAGCGGGTAGAAGTGCGCGCCAGGCAGG-3'
Protein context (NP_001265111.1, residues 23-43): ESARGGSGGS[Ala33=]GHLPSAAPSP

ClinVar aggregate classification (germline): Likely benign (0 of 4 stars; one submission).

Conditions:
EOMES-related disorder. Also called: EOMES-related condition.

Allele frequency attached by ClinVar (database versions not stated): 1000 Genomes Project 30x 0.00016; 1000 Genomes Project 0.00020; gnomAD 0.00029; TOPMed 0.00039.
gnomAD v4.1: 89 of 1,599,810 alleles (0.0056%); highest among the groups gnomAD compares: African/African-American, 0.11%; no homozygotes.

Submission:

PreventionGenetics, part of Exact Sciences
Classification: Likely benign for EOMES-related condition. Last evaluated: 2019-12-30. Review status: no assertion criteria provided. Collection method: clinical testing. Allele origin: germline.
Comment: This variant is classified as likely benign based on ACMG/AMP sequence variant interpretation guidelines (Richards et al. 2015 PMID: 25741868, with internal and published modifications).